The following is an entry in ClinVar:

NM_013275.6(ANKRD11):c.6394_6395delinsAT (p.Asp2132Ile)

Gene: ANKRD11 (ankyrin repeat domain containing 11; minus strand). Cytogenetic location: 16q24.3.
Variant type: Indel.
Coding change: c.6394_6395delinsAT on transcript NM_013275.6 (MANE Select); coding-DNA positions 6394 to 6395, GA replaced by AT.
Protein change: p.Asp2132Ile; replaces aspartic acid 2132 with isoleucine.
Molecular consequence: missense variant.
Genome position (GRCh38, 1-based): chr16:89,280,147-89,280,148, TC replaced by AT on the plus strand (GA replaced by AT on the coding strand, the reverse complement: ANKRD11 is on the minus strand). VCF-style: chr16-89280147-TC-AT. GRCh37 (hg19) VCF-style: chr16-89346555-TC-AT.
Other names: c.6394_6395delinsAT, p.Asp2132Ile (NM_001256182.2, NM_001256183.2); c.6394_6395delGAinsAT (NM_013275.4); short protein forms D2132I.
Identifiers: ClinVar variation 1310615 (VCV001310615.4), dbSNP rs2151736540, ClinGen allele CA2573054295.

ClinVar aggregate classification (germline): Uncertain significance. Review status: criteria provided, multiple submitters, no conflicts (2 of 4 stars). 2 submissions from 2 submitters: Uncertain significance (2). Last evaluated 2021-06-02.

Conditions:
Inborn genetic diseases. Identifiers: MedGen C0950123, MeSH D030342.

Submissions (2):

Ambry Genetics
Classification: Uncertain significance for Inborn genetic diseases. Last evaluated: 2021-06-02. Review status: criteria provided, single submitter. Criteria: Ambry Variant Classification Scheme 2023. Collection method: clinical testing. Allele origin: germline.
Comment: The c.6394_6395delGAinsAT (p.D2132I) alteration, located in exon 9 (coding exon 7) of the ANKRD11 gene, consists of an in-frame substitution of 2 nucleotides from position 6394 to 6395, resulting in the insertion of 1 residue. Based on insufficient or conflicting evidence, the clinical significance of this alteration remains unclear.

GeneDx
Classification: Uncertain significance. Last evaluated: 2019-11-21. Review status: criteria provided, single submitter. Criteria: GeneDx Variant Classification Process June 2021. Collection method: clinical testing. Allele origin: germline. Affected: yes.
Comment: Not observed in large population cohorts (Lek et al., 2016); In silico analysis, which includes protein predictors and evolutionary conservation, supports a deleterious effect; Has not been previously published as pathogenic or benign to our knowledge